The following is an entry in ClinVar:

NM_001130438.3(SPTAN1):c.7391C>A (p.Ala2464Glu)

Gene: SPTAN1 (spectrin alpha, non-erythrocytic 1; plus strand). Cytogenetic location: 9q34.11.
Variant type: single nucleotide variant.
Coding change: c.7391C>A on transcript NM_001130438.3 (MANE Select); coding-DNA position 7391, C replaced by A.
Protein change: p.Ala2464Glu; replaces alanine 2464 with glutamic acid.
Molecular consequence: missense variant.
Genome position (GRCh38, 1-based): chr9:128,633,291, C>A. VCF-style: chr9-128633291-C-A. GRCh37 (hg19) VCF-style: chr9-131395570-C-A.
Other names: c.7316C>A, p.Ala2439Glu (NM_001195532.2); c.7454C>A, p.Ala2485Glu (NM_001363759.2); c.7331C>A, p.Ala2444Glu (NM_001363765.2, NM_001375314.2); c.7478C>A, p.Ala2493Glu (NM_001375310.1); c.7391C>A, p.Ala2464Glu (NM_001375311.2); c.7427C>A, p.Ala2476Glu (NM_001375312.2); c.7373C>A, p.Ala2458Glu (NM_001375313.1); c.7490C>A, p.Ala2497Glu (NM_001375318.1); and 1 more; short protein forms A2439E, A2444E, A2459E, A2493E, A2458E, A2485E, A2464E, A2476E.
Identifiers: ClinVar variation 3004597 (VCV003004597.3), dbSNP rs139070536, ClinGen allele CA375103858.

ClinVar aggregate classification (germline): Uncertain significance (1 of 4 stars; one submission).

Conditions:
Early-infantile DEE. Also called: Early infantile epileptic encephalopathy; Ohtahara syndrome; Early infantile epileptic encephalopathy with suppression bursts. Identifiers: Orphanet 1934, MedGen C0393706, MONDO:0800491.

gnomAD v4.1: 3 of 1,613,928 alleles (0.00019%); highest among the groups gnomAD compares: Admixed American, 0.0017%; no homozygotes.

Submission:

Labcorp Genetics (formerly Invitae), Labcorp
Classification: Uncertain significance for Early-infantile DEE. Last evaluated: 2023-07-28. Review status: criteria provided, single submitter. Criteria: Invitae Variant Classification Sherloc (09022015). Collection method: clinical testing. Allele origin: germline.
Comment: This variant is not present in population databases (gnomAD no frequency). In summary, the available evidence is currently insufficient to determine the role of this variant in disease. Therefore, it has been classified as a Variant of Uncertain Significance. Advanced modeling of protein sequence and biophysical properties (such as structural, functional, and spatial information, amino acid conservation, physicochemical variation, residue mobility, and thermodynamic stability) has been performed at Invitae for this missense variant, however the output from this modeling did not meet the statistical confidence thresholds required to predict the impact of this variant on SPTAN1 protein function. This variant has not been reported in the literature in individuals affected with SPTAN1-related conditions. This sequence change replaces alanine, which is neutral and non-polar, with glutamic acid, which is acidic and polar, at codon 2464 of the SPTAN1 protein (p.Ala2464Glu).